The following is an entry in ClinVar:

NM_005477.3(HCN4):c.1562A>T (p.Asp521Val)

Gene: HCN4 (hyperpolarization activated cyclic nucleotide gated potassium channel 4; minus strand). Cytogenetic location: 15q24.1.
Variant type: single nucleotide variant.
Coding change: c.1562A>T on transcript NM_005477.3 (MANE Select); coding-DNA position 1562, A replaced by T.
Protein change: p.Asp521Val; replaces aspartic acid 521 with valine.
Molecular consequence: missense variant.
Genome position (GRCh38, 1-based): chr15:73,329,601, T>A on the plus strand (A>T on the coding strand, the complement: HCN4 is on the minus strand). VCF-style: chr15-73329601-T-A. GRCh37 (hg19) VCF-style: chr15-73621942-T-A.
Other names: short protein forms D521V.
Identifiers: ClinVar variation 3283663 (VCV003283663.1).

ClinVar aggregate classification (germline): Uncertain significance (1 of 4 stars; one submission).

Conditions:
Cardiovascular phenotype. Identifiers: MedGen CN230736.

Submission:

Ambry Genetics
Classification: Uncertain significance for Cardiovascular phenotype. Last evaluated: 2024-05-17. Review status: criteria provided, single submitter. Criteria: Ambry Variant Classification Scheme 2023. Collection method: clinical testing. Allele origin: germline.
Comment: The p.D521V variant (also known as c.1562A>T), located in coding exon 4 of the HCN4 gene, results from an A to T substitution at nucleotide position 1562. The aspartic acid at codon 521 is replaced by valine, an amino acid with highly dissimilar properties. This amino acid position is conserved. In addition, this alteration is predicted to be deleterious by in silico analysis. Based on the available evidence, the clinical significance of this variant remains unclear.